The following is an entry in ClinVar:

NC_000004.11:g.(?_77082866)_(77102274_?)dup

Gene: SCARB2 (scavenger receptor class B member 2; minus strand). Cytogenetic location: 4q21.1.
Variant type: Duplication.
Identifiers: ClinVar variation 2425361 (VCV002425361.3).

ClinVar aggregate classification (germline): Uncertain significance (1 of 4 stars; one submission).

Conditions:
Progressive myoclonic epilepsy. Also called: Familial progressive myoclonic epilepsy; Myoclonus epilepsy; Progressive myoclonus epilepsy; Myoclonic Epilepsies, Progressive. Identifiers: Orphanet 308, Orphanet 98261, MedGen C0751778, MONDO:0020074.

Submission:

Labcorp Genetics (formerly Invitae), Labcorp
Classification: Uncertain significance for Progressive myoclonic epilepsy. Last evaluated: 2022-07-30. Review status: criteria provided, single submitter. Criteria: Invitae Variant Classification Sherloc (09022015). Collection method: clinical testing. Allele origin: germline.
Comment: This variant results in a copy number gain of the genomic region encompassing exon(s) 3-12 of the SCARB2 gene. This region includes the termination codon of the gene. This copy number gain extends beyond the assayed region for this gene and therefore may encompass additional genes. As the precise location of this event is unknown, it may be in tandem or it may be located elsewhere in the genome. This variant has not been reported in the literature in individuals affected with SCARB2-related conditions. In summary, the available evidence is currently insufficient to determine the role of this variant in disease. Therefore, it has been classified as a Variant of Uncertain Significance.